The following is an entry in ClinVar:

ClinVar aggregate classification (germline): Uncertain significance (1 of 4 stars; one submission).

Submission:

GeneDx
Classification: Uncertain significance. Last evaluated: 2023-03-10. Review status: criteria provided, single submitter. Criteria: GeneDx Variant Classification Process June 2021. Collection method: clinical testing. Allele origin: germline. Affected: yes.
Comment: Not observed at significant frequency in large population cohorts (gnomAD); In silico analysis supports that this missense variant does not alter protein structure/function; Has not been previously published as pathogenic or benign to our knowledge

NM_014727.3(KMT2B):c.818G>A (p.Gly273Asp)

Gene: KMT2B (lysine methyltransferase 2B; plus strand). Cytogenetic location: 19q13.12.
Variant type: single nucleotide variant.
Coding change: c.818G>A on transcript NM_014727.3 (MANE Select); coding-DNA position 818, G replaced by A.
Protein change: p.Gly273Asp; replaces glycine 273 with aspartic acid.
Molecular consequence: missense variant.
Genome position (GRCh38, 1-based): chr19:35,720,165, G>A. VCF-style: chr19-35720165-G-A. GRCh37 (hg19) VCF-style: chr19-36211067-G-A.
Other names: short protein forms G273D.
Identifiers: ClinVar variation 2579848 (VCV002579848.1), dbSNP rs2513312667, ClinGen allele CA405381550.